The following is an entry in ClinVar:

ClinVar aggregate classification (germline): Conflicting classifications of pathogenicity. Review status: criteria provided, conflicting classifications (1 of 4 stars). 3 submissions from 3 submitters: Uncertain significance (1); Likely benign (1). 1 of the submissions does not count toward it. Last evaluated 2026-01-19.

Conditions:
TPO-related disorder. Also called: TPO-related condition.
Inborn genetic diseases. Identifiers: MedGen C0950123, MeSH D030342.

Allele frequency attached by ClinVar (database versions not stated): gnomAD exomes 0.00018 and 0.00049; ExAC 0.00060; 1000 Genomes Project 30x 0.00094; 1000 Genomes Project 0.00100; gnomAD 0.00189 and 0.00210; TOPMed 0.00228; ESP Exome Variant Server 0.00277.
gnomAD v4.1: 556 of 1,613,644 alleles (0.034%); highest among the groups gnomAD compares: African/African-American, 0.71%; 3 homozygotes.

Submissions (3):

Labcorp Genetics (formerly Invitae), Labcorp
Classification: Likely benign. Last evaluated: 2026-01-19. Review status: criteria provided, single submitter. Criteria: Invitae Variant Classification Sherloc (09022015). Collection method: clinical testing. Allele origin: germline.

Ambry Genetics
Classification: Uncertain significance for Inborn genetic diseases. Last evaluated: 2022-01-10. Review status: criteria provided, single submitter. Criteria: Ambry Variant Classification Scheme 2023. Collection method: clinical testing. Allele origin: germline.

PreventionGenetics, part of Exact Sciences
Classification: Likely benign for TPO-related condition. Last evaluated: 2020-06-04. Review status: no assertion criteria provided. Collection method: clinical testing. Allele origin: germline. Not counted in ClinVar's aggregate classification.
Comment: This variant is classified as likely benign based on ACMG/AMP sequence variant interpretation guidelines (Richards et al. 2015 PMID: 25741868, with internal and published modifications).

NM_001206744.2(TPO):c.1813A>T (p.Thr605Ser)

Genes: LALTOP (lung cancer associated lncRNA targeting TOP2A; minus strand), TPO (thyroid peroxidase; plus strand). Cytogenetic location: 2p25.3.
Variant type: single nucleotide variant.
Coding change: c.1813A>T on transcript NM_001206744.2 (MANE Select); coding-DNA position 1813, A replaced by T.
Protein change: p.Thr605Ser; replaces threonine 605 with serine.
Molecular consequence: missense variant.
Genome position (GRCh38, 1-based): chr2:1,493,846, A>T. VCF-style: chr2-1493846-A-T. GRCh37 (hg19) VCF-style: chr2-1497618-A-T.
Other names: c.1813A>T, p.Thr605Ser (NM_000547.6, NM_175721.3); c.1642A>T, p.Thr548Ser (NM_001206745.2, NM_175719.4); c.1294A>T, p.Thr432Ser (NM_175722.3); short protein forms T432S, T548S, T605S.
Identifiers: ClinVar variation 727826 (VCV000727826.10), dbSNP rs61748996, ClinGen allele CA1511857.